The following is an entry in ClinVar:

NM_001378454.1(ALMS1):c.9546del (p.Glu3183fs)

Gene: ALMS1 (ALMS1 centrosome and basal body associated protein; plus strand). Cytogenetic location: 2p13.1.
Variant type: Deletion.
Coding change: c.9546del on transcript NM_001378454.1 (MANE Select); coding-DNA position 9546, one base deleted (A; older notation c.9546delA).
Protein change: p.Glu3183fs; shifts the reading frame from glutamic acid 3183.
Molecular consequence: frameshift variant.
Genome position (GRCh38, 1-based): chr2:73,519,781, A deleted. VCF-style (leftmost placement, unchanged base first): chr2-73519780-CA-C. GRCh37 (hg19) VCF-style: chr2-73746907-CA-C.
Other names: c.9549delA (NM_015120.4); c.9549del, p.Glu3184fs (NM_015120.4); short protein forms E3184fs, E3183fs.
Identifiers: ClinVar variation 1437462 (VCV001437462.7), dbSNP rs2103961819, ClinGen allele CA2573135793.

ClinVar aggregate classification (germline): Pathogenic. Review status: criteria provided, multiple submitters, no conflicts (2 of 4 stars). 2 submissions from 2 submitters: Pathogenic (2). Last evaluated 2025-12-17.

Conditions:
Cardiovascular phenotype. Identifiers: MedGen CN230736.
Alstrom syndrome (ALMS). Identifiers: Orphanet 64, MedGen C0268425, MONDO:0008763, OMIM 203800.

Submissions (2):

Labcorp Genetics (formerly Invitae), Labcorp
Classification: Pathogenic for Alstrom syndrome. Last evaluated: 2025-12-17. Review status: criteria provided, single submitter. Criteria: Invitae Variant Classification Sherloc (09022015). Collection method: clinical testing. Allele origin: germline.
Comment: This sequence change creates a premature translational stop signal (p.Glu3184Argfs*3) in the ALMS1 gene. It is expected to result in an absent or disrupted protein product. Loss-of-function variants in ALMS1 are known to be pathogenic (PMID: 17594715). This variant is not present in population databases (gnomAD no frequency). This variant has not been reported in the literature in individuals affected with ALMS1-related conditions. ClinVar contains an entry for this variant (Variation ID: 1437462). For these reasons, this variant has been classified as Pathogenic.

Ambry Genetics
Classification: Pathogenic for Cardiovascular phenotype. Last evaluated: 2024-07-03. Review status: criteria provided, single submitter. Criteria: Ambry Variant Classification Scheme 2023. Collection method: clinical testing. Allele origin: germline.
Comment: The c.9549delA pathogenic mutation, located in coding exon 11 of the ALMS1 gene, results from a deletion of one nucleotide at nucleotide position 9549, causing a translational frameshift with a predicted alternate stop codon (p.E3184Rfs*3). This variant is considered to be rare based on population cohorts in the Genome Aggregation Database (gnomAD). This alteration is expected to result in loss of function by premature protein truncation or nonsense-mediated mRNA decay. As such, this alteration is interpreted as a disease-causing mutation.

Literature cited by the submitters: PubMed 17594715 (cited by Labcorp Genetics (formerly Invitae), Labcorp).